The following is an entry in ClinVar:

ClinVar aggregate classification (germline): Likely benign (1 of 4 stars; one submission).

Allele frequency attached by ClinVar (database versions not stated): gnomAD exomes 0.00049; ExAC 0.00109; gnomAD 0.00258; 1000 Genomes Project 30x 0.00328; TOPMed 0.00329; ESP Exome Variant Server 0.00331; 1000 Genomes Project 0.00359.

Submission:

CeGaT Center for Human Genetics Tuebingen
Classification: Likely benign. Last evaluated: 2022-09-01. Review status: criteria provided, single submitter. Criteria: CeGaT Center For Human Genetics Tuebingen Variant Classification Criteria Version 2. Collection method: clinical testing. Allele origin: germline. Affected: yes. Observed: 1 variant allele.
Comment: ZNF180: BP4, BP7

NM_001278509.3(ZNF180):c.780C>T (p.Pro260=)

Gene: ZNF180 (zinc finger protein 180; minus strand). Cytogenetic location: 19q13.31.
Variant type: single nucleotide variant.
Coding change: c.780C>T on transcript NM_001278509.3 (MANE Select); coding-DNA position 780, C replaced by T.
Protein change: p.Pro260=; no amino-acid change (proline 260 retained).
Molecular consequence: synonymous variant. On other transcripts: 5 prime UTR variant (3).
Genome position (GRCh38, 1-based): chr19:44,477,620, G>A on the plus strand (C>T on the coding strand, the complement: ZNF180 is on the minus strand). VCF-style: chr19-44477620-G-A. GRCh37 (hg19) VCF-style: chr19-44981837-G-A.
Other names: c.786C>T, p.Pro262= (NM_001278508.4); c.858C>T, p.Pro286= (NM_001288759.4); c.-169C>T (NM_001288760.3, NM_001288761.3, NM_001288762.3); c.780C>T, p.Pro260= (NM_001291633.2); c.861C>T, p.Pro287= (NM_013256.7).
Identifiers: ClinVar variation 2650084 (VCV002650084.24), dbSNP rs143627648, ClinGen allele CA9501195.